The following is an entry in ClinVar:

NM_017866.6(TMEM70):c.272A>T (p.Asp91Val)

Gene: TMEM70 (transmembrane protein 70; plus strand). Cytogenetic location: 8q21.11.
Variant type: single nucleotide variant.
Coding change: c.272A>T on transcript NM_017866.6 (MANE Select); coding-DNA position 272, A replaced by T.
Protein change: p.Asp91Val; replaces aspartic acid 91 with valine.
Molecular consequence: missense variant. On other transcripts: non-coding transcript variant (1).
Genome position (GRCh38, 1-based): chr8:73,978,817, A>T. VCF-style: chr8-73978817-A-T. GRCh37 (hg19) VCF-style: chr8-74891052-A-T.
Other names: c.272A>T, p.Asp91Val (NM_001040613.3); short protein forms D91V.
Identifiers: ClinVar variation 2184534 (VCV002184534.3), dbSNP rs2536392963, ClinGen allele CA371489618.

ClinVar aggregate classification (germline): Uncertain significance (1 of 4 stars; one submission).

Conditions:
Mitochondrial complex V (ATP synthase) deficiency, nuclear type 2. Also called: Nuclear-Encoded ATPase Deficiency, TMEM70-Related; ENCEPHALOCARDIOMYOPATHY, MITOCHONDRIAL, NEONATAL, DUE TO ATP SYNTHASE DEFICIENCY; MITOCHONDRIAL COMPLEX V (ATP SYNTHASE) DEFICIENCY, TMEM70 TYPE. Identifiers: Orphanet 1194, MedGen C3279699, MONDO:0013546, OMIM 614052.

Allele frequency attached by ClinVar (database versions not stated): gnomAD exomes below 0.00001.
gnomAD v4.1: 4 of 1,614,148 alleles (0.00025%); highest among the groups gnomAD compares: Middle Eastern, 0.016%; no homozygotes.

Submission:

Labcorp Genetics (formerly Invitae), Labcorp
Classification: Uncertain significance for Mitochondrial complex V (ATP synthase) deficiency, nuclear type 2. Last evaluated: 2022-05-12. Review status: criteria provided, single submitter. Criteria: Invitae Variant Classification Sherloc (09022015). Collection method: clinical testing. Allele origin: germline.
Comment: In summary, the available evidence is currently insufficient to determine the role of this variant in disease. Therefore, it has been classified as a Variant of Uncertain Significance. Algorithms developed to predict the effect of missense changes on protein structure and function are either unavailable or do not agree on the potential impact of this missense change (SIFT: "Tolerated"; PolyPhen-2: "Possibly Damaging"; Align-GVGD: "Class C0"). This variant has not been reported in the literature in individuals affected with TMEM70-related conditions. This variant is not present in population databases (gnomAD no frequency). This sequence change replaces aspartic acid, which is acidic and polar, with valine, which is neutral and non-polar, at codon 91 of the TMEM70 protein (p.Asp91Val).